The following is an entry in ClinVar:

NM_000359.3(TGM1):c.1429_1431delinsCT (p.Val477fs)

Gene: TGM1 (transglutaminase 1; minus strand). Cytogenetic location: 14q12.
Variant type: Indel.
Coding change: c.1429_1431delinsCT on transcript NM_000359.3 (MANE Select); coding-DNA positions 1429 to 1431, GTG replaced by CT.
Protein change: p.Val477fs; shifts the reading frame from valine 477.
Molecular consequence: frameshift variant.
Genome position (GRCh38, 1-based): chr14:24,256,049-24,256,051, CAC replaced by AG on the plus strand (GTG replaced by CT on the coding strand, the reverse complement: TGM1 is on the minus strand). VCF-style: chr14-24256049-CAC-AG. GRCh37 (hg19) VCF-style: chr14-24725255-CAC-AG.
Other names: short protein forms V477fs.
Identifiers: ClinVar variation 1726190 (VCV001726190.2), dbSNP rs2502496346, ClinGen allele CA2580087961.

ClinVar aggregate classification (germline): Likely pathogenic (1 of 4 stars; one submission).

Conditions:
Autosomal recessive congenital ichthyosis 1 (LI1). Also called: LAMELLAR EXFOLIATION OF NEWBORN; COLLODION FETUS; DESQUAMATION OF NEWBORN; ICHTHYOSIS CONGENITA; ICHTHYOSIS CONGENITA II; ICHTHYOSIS, CONGENITAL, AUTOSOMAL RECESSIVE 1, WITH BATHING SUIT DISTRIBUTION. Identifiers: MedGen C4551630, MONDO:0009441, OMIM 242300.

Submission:

Myriad Genetics, Inc.
Classification: Likely pathogenic for Autosomal recessive congenital ichthyosis 1. Last evaluated: 2022-05-21. Review status: criteria provided, single submitter. Criteria: Myriad Women's Health Autosomal Recessive and X-Linked Classification Criteria (2021). Collection method: clinical testing. Allele origin: unknown.
Comment: NM_000359.2(TGM1):c.1429_1431delGTGinsCT(V477Lfs*11) is expected to be pathogenic in the context of TGM1-related autosomal recessive congenital ichthyosis. This variant is predicted to lead to an abnormal or absent protein product due to the creation of a premature termination codon in TGM1, a gene where loss-of-function variants are known to be pathogenic. Please note: this variant was assessed in the context of healthy population screening.